The following is an entry in ClinVar:

NM_001367868.2(PLIN4):c.768T>C (p.Gly256=)

Gene: PLIN4 (perilipin 4; minus strand). Cytogenetic location: 19p13.3.
Variant type: single nucleotide variant.
Coding change: c.768T>C on transcript NM_001367868.2 (MANE Select); coding-DNA position 768, T replaced by C.
Protein change: p.Gly256=; no amino-acid change (glycine 256 retained).
Molecular consequence: synonymous variant.
Genome position (GRCh38, 1-based): chr19:4,513,192, A>G on the plus strand (T>C on the coding strand, the complement: PLIN4 is on the minus strand). VCF-style: chr19-4513192-A-G. GRCh37 (hg19) VCF-style: chr19-4513204-A-G.
Other names: c.768T>C, p.Gly256= (NM_001393890.1, NM_001393891.1); c.771T>C, p.Gly257= (NM_001393888.1, NM_001393889.1).
Identifiers: ClinVar variation 3905319 (VCV003905319.10).

ClinVar aggregate classification (germline): Likely benign (1 of 4 stars; one submission).

gnomAD v4.1: 15 of 1,609,960 alleles (0.00093%); highest among the groups gnomAD compares: South Asian, 0.0077%; 1 homozygote.

Submission:

CeGaT Center for Human Genetics Tuebingen
Classification: Likely benign. Last evaluated: 2026-07-01. Review status: criteria provided, single submitter. Criteria: CeGaT Center For Human Genetics Tuebingen Variant Classification Criteria Version 2. Collection method: clinical testing. Allele origin: germline. Affected: yes. Observed: 3 variant alleles.
Comment: PLIN4: BP4, BP7